The following is an entry in ClinVar:

NM_001029883.3(PCARE):c.2034T>C (p.Pro678=)

Gene: PCARE (photoreceptor cilium actin regulator; minus strand). Cytogenetic location: 2p23.2.
Variant type: single nucleotide variant.
Coding change: c.2034T>C on transcript NM_001029883.3 (MANE Select); coding-DNA position 2034, T replaced by C.
Protein change: p.Pro678=; no amino-acid change (proline 678 retained).
Molecular consequence: synonymous variant.
Genome position (GRCh38, 1-based): chr2:29,072,228, A>G on the plus strand (T>C on the coding strand, the complement: PCARE is on the minus strand). VCF-style: chr2-29072228-A-G. GRCh37 (hg19) VCF-style: chr2-29295094-A-G.
Other names: c.2034T>C (NM_001029883.2).
Identifiers: ClinVar variation 1140145 (VCV001140145.11), dbSNP rs528939278, ClinGen allele CA1592294.

ClinVar aggregate classification (germline): Likely benign. Review status: criteria provided, multiple submitters, no conflicts (2 of 4 stars). 3 submissions from 3 submitters: Likely benign (2). 1 of the submissions does not count toward it. Last evaluated 2022-10-05.

Conditions:
PCARE-related disorder. Also called: PCARE-related condition.

Allele frequency attached by ClinVar (database versions not stated): gnomAD 0.00001; gnomAD exomes 0.00001; TOPMed 0.00001; ExAC 0.00002; 1000 Genomes Project 0.00040; 1000 Genomes Project 30x 0.00047.
gnomAD v4.1: 4 of 1,614,188 alleles (0.00025%); highest among the groups gnomAD compares: Admixed American, 0.0067%; 1 homozygote.

Submissions (3):

Blueprint Genetics
Classification: Likely benign. Last evaluated: 2022-10-05. Review status: criteria provided, single submitter. Criteria: ACMG Guidelines, 2015. Collection method: clinical testing. Allele origin: germline.

Labcorp Genetics (formerly Invitae), Labcorp
Classification: Likely benign. Last evaluated: 2019-12-27. Review status: criteria provided, single submitter. Criteria: Invitae Variant Classification Sherloc (09022015). Collection method: clinical testing. Allele origin: germline.

PreventionGenetics, part of Exact Sciences
Classification: Likely benign for PCARE-related condition. Last evaluated: 2020-02-19. Review status: no assertion criteria provided. Collection method: clinical testing. Allele origin: germline. Not counted in ClinVar's aggregate classification.
Comment: This variant is classified as likely benign based on ACMG/AMP sequence variant interpretation guidelines (Richards et al. 2015 PMID: 25741868, with internal and published modifications).